The following is an entry in ClinVar:

NM_001160372.4(TRAPPC9):c.3121G>A (p.Val1041Met)

Gene: TRAPPC9 (trafficking protein particle complex subunit 9; minus strand). Cytogenetic location: 8q24.3.
Variant type: single nucleotide variant.
Coding change: c.3121G>A on transcript NM_001160372.4 (MANE Select); coding-DNA position 3121, G replaced by A.
Protein change: p.Val1041Met; replaces valine 1041 with methionine.
Molecular consequence: missense variant. On other transcripts: non-coding transcript variant (1).
Genome position (GRCh38, 1-based): chr8:139,732,137, C>T on the plus strand (G>A on the coding strand, the complement: TRAPPC9 is on the minus strand). VCF-style: chr8-139732137-C-T. GRCh37 (hg19) VCF-style: chr8-140744380-C-T.
Other names: c.3094G>A, p.Val1032Met (NM_001321646.2); c.3142G>A, p.Val1048Met (NM_001374682.1); c.3010G>A, p.Val1004Met (NM_001374683.1); c.2977G>A, p.Val993Met (NM_001374684.1); c.3121G>A, p.Val1041Met (NM_031466.8); c.3415G>A (NM_031466.5); short protein forms V1004M, V1032M, V1041M, V1048M, V993M.
Identifiers: ClinVar variation 1897130 (VCV001897130.3), dbSNP rs754172005, ClinGen allele CA4892802.

ClinVar aggregate classification (germline): Uncertain significance. Review status: criteria provided, multiple submitters, no conflicts (2 of 4 stars). 2 submissions from 2 submitters: Uncertain significance (2). Last evaluated 2024-09-03.

Conditions:
Inborn genetic diseases. Identifiers: MedGen C0950123, MeSH D030342.

Allele frequency attached by ClinVar (database versions not stated): gnomAD 0.00001; gnomAD exomes 0.00001; TOPMed 0.00002; ExAC 0.00004.
gnomAD v4.1: 20 of 1,604,990 alleles (0.0012%); highest among the groups gnomAD compares: South Asian, 0.0033%; no homozygotes.

Submissions (2):

Ambry Genetics
Classification: Uncertain significance for Inborn genetic diseases. Last evaluated: 2024-09-03. Review status: criteria provided, single submitter. Criteria: Ambry Variant Classification Scheme 2023. Collection method: clinical testing. Allele origin: germline.

Labcorp Genetics (formerly Invitae), Labcorp
Classification: Uncertain significance. Last evaluated: 2022-08-21. Review status: criteria provided, single submitter. Criteria: Invitae Variant Classification Sherloc (09022015). Collection method: clinical testing. Allele origin: germline.
Comment: This sequence change replaces valine, which is neutral and non-polar, with methionine, which is neutral and non-polar, at codon 1139 of the TRAPPC9 protein (p.Val1139Met). This variant is present in population databases (rs754172005, gnomAD 0.007%). This variant has not been reported in the literature in individuals affected with TRAPPC9-related conditions. Algorithms developed to predict the effect of missense changes on protein structure and function output the following: SIFT: "Not Available"; PolyPhen-2: "Benign"; Align-GVGD: "Not Available". The methionine amino acid residue is found in multiple mammalian species, which suggests that this missense change does not adversely affect protein function. In summary, the available evidence is currently insufficient to determine the role of this variant in disease. Therefore, it has been classified as a Variant of Uncertain Significance.